The following is an entry in ClinVar:

NM_000522.5(HOXA13):c.1159A>G (p.Thr387Ala)

Gene: HOXA13 (homeobox A13; minus strand). Cytogenetic location: 7p15.2.
Variant type: single nucleotide variant.
Coding change: c.1159A>G on transcript NM_000522.5 (MANE Select); coding-DNA position 1159, A replaced by G.
Protein change: p.Thr387Ala; replaces threonine 387 with alanine.
Molecular consequence: missense variant.
Genome position (GRCh38, 1-based): chr7:27,198,206, T>C on the plus strand (A>G on the coding strand, the complement: HOXA13 is on the minus strand). VCF-style: chr7-27198206-T-C. GRCh37 (hg19) VCF-style: chr7-27237825-T-C.
Other names: short protein forms T387A.
Identifiers: ClinVar variation 2029399 (VCV002029399.4), dbSNP rs749173832, ClinGen allele CA4198541.

ClinVar aggregate classification (germline): Uncertain significance (1 of 4 stars; one submission).

Allele frequency attached by ClinVar (database versions not stated): TOPMed below 0.00001; ExAC 0.00001; gnomAD 0.00001.
gnomAD v4.1: 2 of 1,614,044 alleles (0.00012%); highest among the groups gnomAD compares: Non-Finnish European, 0.000085%; no homozygotes.

Submission:

Labcorp Genetics (formerly Invitae), Labcorp
Classification: Uncertain significance. Last evaluated: 2022-09-07. Review status: criteria provided, single submitter. Criteria: Invitae Variant Classification Sherloc (09022015). Collection method: clinical testing. Allele origin: germline.
Comment: This sequence change replaces threonine, which is neutral and polar, with alanine, which is neutral and non-polar, at codon 387 of the HOXA13 protein (p.Thr387Ala). This variant is present in population databases (rs749173832, gnomAD 0.003%). This variant has not been reported in the literature in individuals affected with HOXA13-related conditions. Algorithms developed to predict the effect of missense changes on protein structure and function (SIFT, PolyPhen-2, Align-GVGD) all suggest that this variant is likely to be tolerated. In summary, the available evidence is currently insufficient to determine the role of this variant in disease. Therefore, it has been classified as a Variant of Uncertain Significance.